The following is an entry in ClinVar:

ClinVar aggregate classification (germline): Pathogenic (1 of 4 stars; one submission).

Conditions:
Merosin deficient congenital muscular dystrophy (MDC1A). Also called: Congenital merosin-deficient muscular dystrophy 1A; Congenital Muscular Dystrophy Type 1A (MDC1A). Identifiers: Orphanet 258, MedGen C1263858, MONDO:0011925, OMIM 607855.

Submission:

Women's Health and Genetics/Laboratory Corporation of America, LabCorp
Classification: Pathogenic for Merosin deficient congenital muscular dystrophy. Last evaluated: 2026-01-27. Review status: criteria provided, single submitter. Criteria: LabCorp Variant Classification Summary - May 2015. Collection method: clinical testing. Allele origin: germline.
Comment: Variant summary: LAMA2 c.6938_6939dupTA (p.Gly2314X) results in a premature termination codon, predicted to cause a truncation of the encoded protein or absence of the protein due to nonsense mediated decay, which are commonly known mechanisms for disease. The variant was absent in 250642 control chromosomes. To our knowledge, no occurrence of c.6938_6939dupTA in individuals affected with LAMA2-related conditions and no experimental evidence demonstrating its impact on protein function have been reported. No submitters have cited clinical-significance assessments for this variant to ClinVar. Based on the evidence outlined above, the variant was classified as pathogenic.

NM_000426.4(LAMA2):c.6938_6939dup (p.Gly2314Ter)

Gene: LAMA2 (laminin subunit alpha 2; plus strand). Cytogenetic location: 6q22.33.
Variant type: Microsatellite.
Coding change: c.6938_6939dup on transcript NM_000426.4 (MANE Select); coding-DNA positions 6938 to 6939, 2 bases duplicated (TA; older notation c.6938_6939dupTA).
Protein change: p.Gly2314Ter; replaces glycine 2314 with a stop codon.
Molecular consequence: nonsense.
Genome position (GRCh38, 1-based): chr6:129,460,270-129,460,271, TA duplicated; duplicating any 2 consecutive bases within chr6:129,460,268-129,460,271 gives the same sequence; the c. name uses the placement nearest the transcript's 3' end. VCF-style (leftmost placement, unchanged base first): chr6-129460267-C-CTA. GRCh37 (hg19) VCF-style: chr6-129781412-C-CTA.
Other names: c.6938_6939dupTA (NM_000426.4); c.6938_6939dup, p.Gly2314Ter (NM_001079823.2); short protein forms G2314*.
Identifiers: ClinVar variation 4689506 (VCV004689506.1).